The following is an entry in ClinVar:

NM_018489.3(ASH1L):c.8446A>C (p.Lys2816Gln)

Gene: ASH1L (ASH1 like histone lysine methyltransferase; minus strand). Cytogenetic location: 1q22.
Variant type: single nucleotide variant.
Coding change: c.8446A>C on transcript NM_018489.3 (MANE Select); coding-DNA position 8446, A replaced by C.
Protein change: p.Lys2816Gln; replaces lysine 2816 with glutamine.
Molecular consequence: missense variant.
Genome position (GRCh38, 1-based): chr1:155,341,950, T>G on the plus strand (A>C on the coding strand, the complement: ASH1L is on the minus strand). VCF-style: chr1-155341950-T-G. GRCh37 (hg19) VCF-style: chr1-155311741-T-G.
Other names: c.8461A>C, p.Lys2821Gln (NM_001366177.2); short protein forms K2816Q, K2821Q.
Identifiers: ClinVar variation 3130336 (VCV003130336.1), dbSNP rs2525631440, ClinGen allele CA342723540.

ClinVar aggregate classification (germline): Uncertain significance (1 of 4 stars; one submission).

Conditions:
Inborn genetic diseases. Identifiers: MedGen C0950123, MeSH D030342.

Submission:

Ambry Genetics
Classification: Uncertain significance for Inborn genetic diseases. Last evaluated: 2024-02-01. Review status: criteria provided, single submitter. Criteria: Ambry Variant Classification Scheme 2023. Collection method: clinical testing. Allele origin: germline.
Comment: The c.8446A>C (p.K2816Q) alteration is located in exon 25 (coding exon 24) of the ASH1L gene. This alteration results from a A to C substitution at nucleotide position 8446, causing the lysine (K) at amino acid position 2816 to be replaced by a glutamine (Q). This variant was not reported in population-based cohorts in the Genome Aggregation Database (gnomAD). This amino acid position is highly conserved in available vertebrate species. The in silico prediction for this alteration is inconclusive. Based on insufficient or conflicting evidence, the clinical significance of this alteration remains unclear.